The following is an entry in ClinVar:

ClinVar aggregate classification (germline): Uncertain significance (1 of 4 stars; one submission).

Conditions:
Inborn genetic diseases. Identifiers: MedGen C0950123, MeSH D030342.

Submission:

Ambry Genetics
Classification: Uncertain significance for Inborn genetic diseases. Last evaluated: 2026-06-28. Review status: criteria provided, single submitter. Criteria: Ambry Variant Classification Scheme 2023. Collection method: clinical testing. Allele origin: germline.
Comment: The p.M137T variant (also known as c.410T>C), located in coding exon 1 of the SAMD9L gene, results from a T to C substitution at nucleotide position 410. The methionine at codon 137 is replaced by threonine, an amino acid with similar properties. This amino acid position is conserved. In addition, this alteration is predicted to be tolerated by in silico analysis. Based on the available evidence, the clinical significance of this variant remains unclear.

NM_152703.5(SAMD9L):c.410T>C (p.Met137Thr)

Gene: SAMD9L (sterile alpha motif domain containing 9 like; minus strand). Cytogenetic location: 7q21.2.
Variant type: single nucleotide variant.
Coding change: c.410T>C on transcript NM_152703.5 (MANE Select); coding-DNA position 410, T replaced by C.
Protein change: p.Met137Thr; replaces methionine 137 with threonine.
Molecular consequence: missense variant.
Genome position (GRCh38, 1-based): chr7:93,135,562, A>G on the plus strand (T>C on the coding strand, the complement: SAMD9L is on the minus strand). VCF-style: chr7-93135562-A-G. GRCh37 (hg19) VCF-style: chr7-92764875-A-G.
Other names: c.410T>C, p.Met137Thr (NM_001303496.3, NM_001303497.3, NM_001303498.3 and 5 more transcripts); short protein forms M137T.
Identifiers: ClinVar variation 5028862 (VCV005028862.1).
Genomic context (GRCh38, chr7:93,135,562, plus strand): 5'-TTTAGCTTACCCTTTTTCTTGTGTTTAGCATTTGCTACTTCATCTAACACATTTTCTTTC[A>G]TAAGAATTGATTCTTCTTGTTTGATATCTCTGATCTCTCTGGGATCATAATCAATATTAG-3'
Protein context (NP_689916.2, residues 127-147): RDIKQEESIL[Met137Thr]KENVLDEVAN